The following is an entry in ClinVar:

NM_001365276.2(TNXB):c.8812_8813delinsAG (p.Ala2938Ser)

Gene: TNXB (tenascin XB; minus strand). Cytogenetic location: 6p21.33.
Variant type: Indel.
Coding change: c.8812_8813delinsAG on transcript NM_001365276.2 (MANE Select); coding-DNA positions 8812 to 8813, GC replaced by AG.
Protein change: p.Ala2938Ser; replaces alanine 2938 with serine.
Molecular consequence: missense variant.
Genome position (GRCh38, 1-based): chr6:32,052,972-32,052,973, GC replaced by CT on the plus strand (GC replaced by AG on the coding strand, the reverse complement: TNXB is on the minus strand). VCF-style: chr6-32052972-GC-CT. GRCh37 (hg19) VCF-style: chr6-32020749-GC-CT.
Other names: c.9553_9554delinsAG, p.Ala3185Ser (NM_001428335.1); c.8806_8807delinsAG, p.Ala2936Ser (NM_019105.8); short protein forms A2938S, A3185S, A2936S.
Identifiers: ClinVar variation 4842856 (VCV004842856.1).

ClinVar aggregate classification (germline): Uncertain significance (1 of 4 stars; one submission).

Conditions:
Cardiovascular phenotype. Identifiers: MedGen CN230736.

Submission:

Ambry Genetics
Classification: Uncertain significance for Cardiovascular phenotype. Last evaluated: 2025-12-26. Review status: criteria provided, single submitter. Criteria: Ambry Variant Classification Scheme 2023. Collection method: clinical testing. Allele origin: germline.
Comment: The c.8806_8807delGCinsAG variant, located in coding exon 25 of the TNXB gene, results from an in-frame deletion of GC and insertion of AG at nucleotide positions 8806 to 8807. This results in the substitution of the alanine residue for a serine residue at codon 2936, an amino acid with similar properties. This amino acid position is poorly conserved in available vertebrate species. In addition, this variant is predicted to be neutral by in silico analysis (Choi Y et al. PLoS ONE. 2012; 7(10):e46688). Based on the available evidence, the clinical significance of this variant remains unclear.